The following is an entry in ClinVar:

NM_012330.4(KAT6B):c.1844A>G (p.Lys615Arg)

Gene: KAT6B (lysine acetyltransferase 6B; plus strand). Cytogenetic location: 10q22.2.
Variant type: single nucleotide variant.
Coding change: c.1844A>G on transcript NM_012330.4 (MANE Select); coding-DNA position 1844, A replaced by G.
Protein change: p.Lys615Arg; replaces lysine 615 with arginine.
Molecular consequence: missense variant. On other transcripts: intron variant (13).
Genome position (GRCh38, 1-based): chr10:74,976,181, A>G. VCF-style: chr10-74976181-A-G. GRCh37 (hg19) VCF-style: chr10-76735939-A-G.
Other names: c.1844A>G, p.Lys615Arg (NM_001370136.1, NM_001370137.1); c.1117+727A>G (NM_001370139.1, NM_001370140.1, NM_001370141.1 and 3 more transcripts); c.1444+400A>G (NM_001370138.1, NM_001256468.2); c.846+6406A>G (NM_001370133.1); c.193-3043A>G (NM_001370134.1); c.929-1135A>G (NM_001370143.1, NM_001370144.1); c.193-12838A>G (NM_001370135.1); short protein forms K615R.
Identifiers: ClinVar variation 2101886 (VCV002101886.4), dbSNP rs2548956787, ClinGen allele CA377288732.
Genomic context (GRCh38, chr10:74,976,181, plus strand): 5'-GTCGGTTTATTTCTCACTCCTCCTCCTCTAGCTGGGGGATGGCTAGAGGAAGTATTTTTA[A>G]AGCAATTGCTCACTTCAAGCGAACAACTTTCCTTAAAAAGCACAGGATGCTAGGCAGATT-3'
Protein context (NP_036462.2, residues 605-625): SWGMARGSIF[Lys615Arg]AIAHFKRTTF

ClinVar aggregate classification (germline): Uncertain significance (1 of 4 stars; one submission).

Conditions:
Genitopatellar syndrome (GTPTS). Also called: ABSENT PATELLAE, SCROTAL HYPOPLASIA, RENAL ANOMALIES, FACIAL DYSMORPHISM, AND MENTAL RETARDATION; Genitopatellar syndrome (GPS). Identifiers: Orphanet 85201, MedGen C1853566, MONDO:0011640, OMIM 606170.

Submission:

Labcorp Genetics (formerly Invitae), Labcorp
Classification: Uncertain significance for Genitopatellar syndrome. Last evaluated: 2022-04-25. Review status: criteria provided, single submitter. Criteria: Invitae Variant Classification Sherloc (09022015). Collection method: clinical testing. Allele origin: germline.
Comment: This sequence change replaces lysine, which is basic and polar, with arginine, which is basic and polar, at codon 615 of the KAT6B protein (p.Lys615Arg). This variant is not present in population databases (gnomAD no frequency). This variant has not been reported in the literature in individuals affected with KAT6B-related conditions. Algorithms developed to predict the effect of missense changes on protein structure and function are either unavailable or do not agree on the potential impact of this missense change (SIFT: "Tolerated"; PolyPhen-2: "Possibly Damaging"; Align-GVGD: "Class C0"). In summary, the available evidence is currently insufficient to determine the role of this variant in disease. Therefore, it has been classified as a Variant of Uncertain Significance.